The following is an entry in ClinVar:

NM_133510.4(RAD51B):c.119A>T (p.Lys40Met)

Gene: RAD51B (RAD51 paralog B; plus strand). Cytogenetic location: 14q24.1.
Variant type: single nucleotide variant.
Coding change: c.119A>T on transcript NM_133510.4 (MANE Select); coding-DNA position 119, A replaced by T.
Protein change: p.Lys40Met; replaces lysine 40 with methionine.
Molecular consequence: missense variant. On other transcripts: 5 prime UTR variant (1).
Genome position (GRCh38, 1-based): chr14:67,825,498, A>T. VCF-style: chr14-67825498-A-T. GRCh37 (hg19) VCF-style: chr14-68292215-A-T.
Other names: c.119A>T, p.Lys40Met (NM_001321809.2, NM_001321810.2, NM_001321812.1 and 6 more transcripts); c.5A>T, p.Lys2Met (NM_001321815.1); c.-337A>T (NM_001321817.2); short protein forms K40M, K2M.
Identifiers: ClinVar variation 3942310 (VCV003942310.1).
Genomic context (GRCh38, chr14:67,825,498, plus strand): 5'-AAAATACTCTCTTTATGTTTCTTTAGGACTTTTTATGTCTTTCCCCACTGGAGCTTATGA[A>T]GGTGACTGGTCTGAGTTATCGAGGTGTCCATGAACTTCTATGTATGGTCAGCAGGGCCTG-3'
Protein context (NP_598194.1, residues 30-50): FLCLSPLELM[Lys40Met]VTGLSYRGVH

ClinVar aggregate classification (germline): Uncertain significance (1 of 4 stars; one submission).

Submission:

Ambry Genetics
Classification: Uncertain significance. Last evaluated: 2025-05-07. Review status: criteria provided, single submitter. Criteria: Ambry Variant Classification Scheme 2023. Collection method: clinical testing. Allele origin: germline.
Comment: The p.K40M variant (also known as c.119A>T), located in coding exon 2 of the RAD51B gene, results from an A to T substitution at nucleotide position 119. The lysine at codon 40 is replaced by methionine, an amino acid with similar properties. This amino acid position is conserved. In addition, the in silico prediction for this alteration is inconclusive. Based on the available evidence, the clinical significance of this variant remains unclear.